The following is an entry in ClinVar:

NM_002003.5(FCN1):c.369C>T (p.Asp123=)

Gene: FCN1 (ficolin 1; minus strand). Cytogenetic location: 9q34.3.
Variant type: single nucleotide variant.
Coding change: c.369C>T on transcript NM_002003.5 (MANE Select); coding-DNA position 369, C replaced by T.
Protein change: p.Asp123=; no amino-acid change (aspartic acid 123 retained).
Molecular consequence: synonymous variant.
Genome position (GRCh38, 1-based): chr9:134,913,115, G>A on the plus strand (C>T on the coding strand, the complement: FCN1 is on the minus strand). VCF-style: chr9-134913115-G-A. GRCh37 (hg19) VCF-style: chr9-137804961-G-A.
Identifiers: ClinVar variation 3041982 (VCV003041982.2), dbSNP rs200663920, ClinGen allele CA5321724.

ClinVar aggregate classification (germline): Likely benign (0 of 4 stars; one submission).

Conditions:
FCN1-related disorder. Also called: FCN1-related condition.

Allele frequency attached by ClinVar (database versions not stated): 1000 Genomes Project 30x 0.00078; 1000 Genomes Project 0.00080.
gnomAD v4.1: 29 of 1,613,940 alleles (0.0018%); highest among the groups gnomAD compares: Admixed American, 0.037%; no homozygotes.

Submission:

PreventionGenetics, part of Exact Sciences
Classification: Likely benign for FCN1-related condition. Last evaluated: 2023-09-29. Review status: no assertion criteria provided. Collection method: clinical testing. Allele origin: germline.
Comment: This variant is classified as likely benign based on ACMG/AMP sequence variant interpretation guidelines (Richards et al. 2015 PMID: 25741868, with internal and published modifications).